The following is an entry in ClinVar:

NM_000051.4(ATM):c.1342C>T (p.His448Tyr)

Gene: ATM (ATM serine/threonine kinase; plus strand). Cytogenetic location: 11q22.3.
Variant type: single nucleotide variant.
Coding change: c.1342C>T on transcript NM_000051.4 (MANE Select); coding-DNA position 1342, C replaced by T.
Protein change: p.His448Tyr; replaces histidine 448 with tyrosine.
Molecular consequence: missense variant.
Genome position (GRCh38, 1-based): chr11:108,250,807, C>T. VCF-style: chr11-108250807-C-T. GRCh37 (hg19) VCF-style: chr11-108121534-C-T.
Other names: c.1342C>T, p.His448Tyr (NM_001351834.2); short protein forms H448Y.
Identifiers: ClinVar variation 965762 (VCV000965762.6), dbSNP rs2080098243, ClinGen allele CA382533746.

ClinVar aggregate classification (germline): Uncertain significance (1 of 4 stars; one submission).

Conditions:
Ataxia-telangiectasia syndrome (AT). Also called: ATAXIA-TELANGIECTASIA, FRESNO VARIANT; Ataxia-telangiectasia, complementation group E; Ataxia telangiectasia (A-T); LOUIS-BAR SYNDROME; Ataxia-telangiectasia, complementation group D; AT, COMPLEMENTATION GROUP C. Identifiers: Orphanet 100, MedGen C0004135, MONDO:0008840, OMIM 208900.

Submission:

Labcorp Genetics (formerly Invitae), Labcorp
Classification: Uncertain significance for Ataxia-telangiectasia syndrome. Last evaluated: 2021-09-01. Review status: criteria provided, single submitter. Criteria: Invitae Variant Classification Sherloc (09022015). Collection method: clinical testing. Allele origin: germline.
Comment: This sequence change replaces histidine with tyrosine at codon 448 of the ATM protein (p.His448Tyr). The histidine residue is weakly conserved and there is a moderate physicochemical difference between histidine and tyrosine. This variant is not present in population databases (ExAC no frequency). This variant has not been reported in the literature in individuals affected with ATM-related conditions. Algorithms developed to predict the effect of missense changes on protein structure and function are either unavailable or do not agree on the potential impact of this missense change (SIFT: "Deleterious"; PolyPhen-2: "Benign"; Align-GVGD: "Class C15"). In summary, the available evidence is currently insufficient to determine the role of this variant in disease. Therefore, it has been classified as a Variant of Uncertain Significance.